The following is an entry in ClinVar:

ClinVar aggregate classification (germline): Uncertain significance (1 of 4 stars; one submission).

Conditions:
SLCO1B3-related disorder. Also called: SLCO1B3-related condition.

Submission:

PreventionGenetics, part of Exact Sciences
Classification: Uncertain significance for SLCO1B3-related condition. Last evaluated: 2024-12-09. Review status: criteria provided, single submitter. Criteria: ACMG Guidelines, 2015. Collection method: clinical testing. Allele origin: germline.
Comment: The SLCO1B3 c.703G>T variant is predicted to result in the amino acid substitution p.Val235Leu. To our knowledge, this variant has not been reported in the literature or in a large population database (gnomAD), indicating this variant is rare. At this time, the clinical significance of this variant is uncertain due to the absence of conclusive functional and genetic evidence.

NM_019844.4(SLCO1B3):c.703G>T (p.Val235Leu)

Genes: SLCO1B3 (solute carrier organic anion transporter family member 1B3; plus strand), SLCO1B3-SLCO1B7 (SLCO1B3-SLCO1B7 readthrough; plus strand). Cytogenetic location: 12p12.2.
Variant type: single nucleotide variant.
Coding change: c.703G>T on transcript NM_019844.4 (MANE Select); coding-DNA position 703, G replaced by T.
Protein change: p.Val235Leu; replaces valine 235 with leucine.
Molecular consequence: missense variant.
Genome position (GRCh38, 1-based): chr12:20,862,830, G>T. VCF-style: chr12-20862830-G-T. GRCh37 (hg19) VCF-style: chr12-21015764-G-T.
Other names: c.703G>T, p.Val235Leu (NM_001371097.1); c.619G>T, p.Val207Leu (NM_001349920.2); short protein forms V207L, V235L.
Identifiers: ClinVar variation 4999512 (VCV004999512.1).